The following is an entry in ClinVar:

NM_001844.5(COL2A1):c.2678dup (p.Ala895fs)

Gene: COL2A1 (collagen type II alpha 1 chain; minus strand). Cytogenetic location: 12q13.11.
Variant type: Duplication.
Coding change: c.2678dup on transcript NM_001844.5 (MANE Select); coding-DNA position 2678, one base duplicated (C; older notation c.2678dupC).
Protein change: p.Ala895fs; shifts the reading frame from alanine 895.
Molecular consequence: frameshift variant.
Genome position (GRCh38, 1-based): chr12:47,980,010, G duplicated on the plus strand (C on the coding strand, the reverse complement: COL2A1 is on the minus strand); the first of 6 consecutive G bases (chr12:47,980,010-47,980,015); duplicating any one gives the same sequence. VCF-style (leftmost placement, unchanged base first): chr12-47980009-C-CG. GRCh37 (hg19) VCF-style: chr12-48373792-C-CG.
Other names: c.2678dupC (NM_001844.5); c.2471dup, p.Ala826fs (NM_033150.3); short protein forms A826fs, A895fs.
Identifiers: ClinVar variation 966427 (VCV000966427.13), dbSNP rs1938958532, ClinGen allele CA479456997.
Genomic context (GRCh38, chr12:47,980,009, plus strand): 5'-AGCCTCTGGGGCCAGGCCTCTTTGTGAGGTGCAGGGTGGGGTGTCAGAGGCCTCACTCAC[C>CG]GGGGGGCCTTGGGCACCTCGGGCTCCTTTAGGACCAGTCACTCCAGTAGGACCCTGGAAA-3'

ClinVar aggregate classification (germline): Pathogenic. Review status: criteria provided, multiple submitters, no conflicts (2 of 4 stars). 4 submissions from 4 submitters: Pathogenic (4). Last evaluated 2025-07-16.

Conditions:
COL2A1-related disorder. Also called: COL2A1-related condition; COL2A1-related disorders.
Stickler syndrome type 1 (STL1). Also called: STICKLER SYNDROME, MEMBRANOUS VITREOUS TYPE; STICKLER SYNDROME, VITREOUS TYPE 1; ARTHROOPHTHALMOPATHY, HEREDITARY PROGRESSIVE; COL2A1-Related Stickler Syndrome. Identifiers: Orphanet 828, Orphanet 90653, MedGen C2020284, MONDO:0007160, OMIM 108300.

Submissions (4):

GeneDx
Classification: Pathogenic. Last evaluated: 2025-07-16. Review status: criteria provided, single submitter. Criteria: GeneDx Variant Classification Process June 2021. Collection method: clinical testing. Allele origin: germline. Affected: yes.
Comment: Frameshift variant predicted to result in protein truncation or nonsense mediated decay in a gene for which loss of function is a known mechanism of disease; Not observed at significant frequency in large population cohorts (gnomAD); This variant is associated with the following publications: (PMID: 20179744, 26626311, 34680973, 26709265)

Labcorp Genetics (formerly Invitae), Labcorp
Classification: Pathogenic. Last evaluated: 2023-12-05. Review status: criteria provided, single submitter. Criteria: Invitae Variant Classification Sherloc (09022015). Collection method: clinical testing. Allele origin: germline.
Comment: This sequence change creates a premature translational stop signal (p.Ala895Serfs*49) in the COL2A1 gene. It is expected to result in an absent or disrupted protein product. Loss-of-function variants in COL2A1 are known to be pathogenic (PMID: 20179744). This variant is not present in population databases (gnomAD no frequency). This premature translational stop signal has been observed in individual(s) with Stickler syndrome and Kniest dysplasia (PMID: 20179744, 26626311, 26709265). ClinVar contains an entry for this variant (Variation ID: 966427). For these reasons, this variant has been classified as Pathogenic.

Blueprint Genetics
Classification: Pathogenic for COL2A1-related disorders. Last evaluated: 2022-06-08. Review status: criteria provided, single submitter. Criteria: ACMG Guidelines, 2015. Collection method: clinical testing. Allele origin: germline. Affected: yes. Observed: 2 variant alleles.

Johns Hopkins Genomics, Johns Hopkins University
Classification: Pathogenic for Stickler syndrome type 1. Last evaluated: 2020-11-03. Review status: criteria provided, single submitter. Criteria: ACMG Guidelines, 2015. Collection method: clinical testing. Allele origin: germline.
Comment: This COL2A1 variant is absent from a large population database and has an entry in ClinVar. It has been reported in individuals affected with Stickler syndrome type I and Kniest dysplasia. This frameshift variant occurs in exon 40 of 54 likely leading to nonsense-mediated decay and lack of protein production. We consider c.2678dupC to be pathogenic.

Literature cited by the submitters: PubMed 20179744 (cited by Labcorp Genetics (formerly Invitae), Labcorp and Johns Hopkins Genomics, Johns Hopkins University); PubMed 26626311 (cited by Labcorp Genetics (formerly Invitae), Labcorp and Johns Hopkins Genomics, Johns Hopkins University); PubMed 26709265 (cited by Labcorp Genetics (formerly Invitae), Labcorp and Johns Hopkins Genomics, Johns Hopkins University); PubMed 22522174 (cited by Johns Hopkins Genomics, Johns Hopkins University).